The following is an entry in ClinVar:

NC_000001.10:g.(?_237205822)_(237205889_?)dup

Gene: RYR2 (ryanodine receptor 2; plus strand). Cytogenetic location: 1q43.
Variant type: Duplication.
Identifiers: ClinVar variation 2423534 (VCV002423534.3).

ClinVar aggregate classification (germline): Uncertain significance (1 of 4 stars; one submission).

Conditions:
Catecholaminergic polymorphic ventricular tachycardia 1. Also called: VENTRICULAR TACHYCARDIA, CATECHOLAMINERGIC POLYMORPHIC, 1, WITH OR WITHOUT ATRIAL DYSFUNCTION AND/OR DILATED CARDIOMYOPATHY; RYR2-Related Catecholaminergic Polymorphic Ventricular Tachycardia; VENTRICULAR TACHYCARDIA, STRESS-INDUCED POLYMORPHIC 1. Identifiers: Orphanet 3286, MedGen C1631597, MONDO:0011484, OMIM 604772.

Submission:

Labcorp Genetics (formerly Invitae), Labcorp
Classification: Uncertain significance for Catecholaminergic polymorphic ventricular tachycardia 1. Last evaluated: 2022-10-01. Review status: criteria provided, single submitter. Criteria: Invitae Variant Classification Sherloc (09022015). Collection method: clinical testing. Allele origin: germline.
Comment: This variant results in a copy number gain of the genomic region encompassing exon(s) 1 of the RYR2 gene. This region includes the initiator codon of the gene. This copy number gain extends beyond the assayed region for this gene and therefore may encompass additional genes. As the precise location of this event is unknown, it may be in tandem or it may be located elsewhere in the genome. This variant has not been reported in the literature in individuals affected with RYR2-related conditions. Experimental studies and prediction algorithms are not available or were not evaluated, and the functional significance of this variant is currently unknown. In summary, the available evidence is currently insufficient to determine the role of this variant in disease. Therefore, it has been classified as a Variant of Uncertain Significance.